The following is an entry in ClinVar:

ClinVar aggregate classification (germline): Uncertain significance (1 of 4 stars; one submission).

gnomAD v4.1: 2 of 1,609,180 alleles (0.00012%); highest among the groups gnomAD compares: African/African-American, 0.0013%; no homozygotes.

Submission:

Women's Health and Genetics/Laboratory Corporation of America, LabCorp
Classification: Uncertain significance. Last evaluated: 2024-08-19. Review status: criteria provided, single submitter. Criteria: LabCorp Variant Classification Summary - May 2015. Collection method: clinical testing. Allele origin: germline.
Comment: Variant summary: POMT2 c.1057G>T (p.Gly353Cys) results in a non-conservative amino acid change located in the MIR motif domain (IPR016093) of the encoded protein sequence. Five of five in-silico tools predict a damaging effect of the variant on protein function. The variant was absent in 240782 control chromosomes. The available data on variant occurrences in the general population are insufficient to allow any conclusion about variant significance. To our knowledge, no occurrence of c.1057G>T in individuals affected with Limb-Girdle Muscular Dystrophy, Autosomal Recessive and no experimental evidence demonstrating its impact on protein function have been reported. No submitters have cited clinical-significance assessments for this variant to ClinVar. Based on the evidence outlined above, the variant was classified as uncertain significance.

NM_013382.7(POMT2):c.1057G>T (p.Gly353Cys)

Gene: POMT2 (protein O-mannosyltransferase 2; minus strand). Cytogenetic location: 14q24.3.
Variant type: single nucleotide variant.
Coding change: c.1057G>T on transcript NM_013382.7 (MANE Select); coding-DNA position 1057, G replaced by T.
Protein change: p.Gly353Cys; replaces glycine 353 with cysteine.
Molecular consequence: missense variant.
Genome position (GRCh38, 1-based): chr14:77,296,223, C>A on the plus strand (G>T on the coding strand, the complement: POMT2 is on the minus strand). VCF-style: chr14-77296223-C-A. GRCh37 (hg19) VCF-style: chr14-77762566-C-A.
Other names: short protein forms G353C.
Identifiers: ClinVar variation 3366717 (VCV003366717.1).
Genomic context (GRCh38, chr14:77,296,223, plus strand): 5'-CCTGCTGCTGACGGGCACCAATGCCCTCGGGGTAGAGGTGCCTGTGGGAGTGCAGATAGC[C>A]GATGGCCATCCGGAGGTTCTTCACAGTGATCACAGAGCCGTAGGCCAGGTCTGGGAGGAA-3'
Protein context (NP_037514.2, residues 343-363): ITVKNLRMAI[Gly353Cys]YLHSHRHLYP